The following is an entry in ClinVar:

ClinVar aggregate classification (germline): Uncertain significance (1 of 4 stars; one submission).

Conditions:
Hereditary cancer-predisposing syndrome. Also called: Hereditary Cancer Syndrome; Hereditary neoplastic syndrome; Tumor predisposition; Neoplastic Syndromes, Hereditary. Identifiers: Orphanet 140162, MedGen C0027672, MeSH D009386, MONDO:0015356.

gnomAD v4.1: 1 of 1,614,100 alleles (0.000062%); no homozygotes.

Submission:

Ambry Genetics
Classification: Uncertain significance for Hereditary cancer-predisposing syndrome. Last evaluated: 2024-08-09. Review status: criteria provided, single submitter. Criteria: Ambry Variant Classification Scheme 2023. Collection method: clinical testing. Allele origin: germline.
Comment: The p.N958I variant (also known as c.2873A>T), located in coding exon 21 of the KIT gene, results from an A to T substitution at nucleotide position 2873. The asparagine at codon 958 is replaced by isoleucine, an amino acid with dissimilar properties. This amino acid position is conserved. In addition, the in silico prediction for this alteration is inconclusive. Based on the available evidence, the clinical significance of this variant remains unclear.

NM_000222.3(KIT):c.2873A>T (p.Asn958Ile)

Gene: KIT (KIT proto-oncogene, receptor tyrosine kinase; plus strand). Cytogenetic location: 4q12.
Variant type: single nucleotide variant.
Coding change: c.2873A>T on transcript NM_000222.3 (MANE Select); coding-DNA position 2873, A replaced by T.
Protein change: p.Asn958Ile; replaces asparagine 958 with isoleucine.
Molecular consequence: missense variant.
Genome position (GRCh38, 1-based): chr4:54,738,499, A>T. VCF-style: chr4-54738499-A-T. GRCh37 (hg19) VCF-style: chr4-55604665-A-T.
Other names: c.2861A>T, p.Asn954Ile (NM_001093772.2, NM_001385292.1); c.2876A>T, p.Asn959Ile (NM_001385284.1); c.2870A>T, p.Asn957Ile (NM_001385285.1); c.2858A>T, p.Asn953Ile (NM_001385286.1); c.2864A>T, p.Asn955Ile (NM_001385288.1); c.2873A>T, p.Asn958Ile (NM_001385290.1); short protein forms N954I, N955I, N959I, N953I, N957I, N958I.
Identifiers: ClinVar variation 3534687 (VCV003534687.1).